The following is an entry in ClinVar:

NM_201384.3(PLEC):c.11751C>T (p.Ser3917=)

Gene: PLEC (plectin; minus strand). Cytogenetic location: 8q24.3.
Variant type: single nucleotide variant.
Coding change: c.11751C>T on transcript NM_201384.3 (MANE Select); coding-DNA position 11751, C replaced by T.
Protein change: p.Ser3917=; no amino-acid change (serine 3917 retained).
Molecular consequence: synonymous variant.
Genome position (GRCh38, 1-based): chr8:143,918,070, G>A on the plus strand (C>T on the coding strand, the complement: PLEC is on the minus strand). VCF-style: chr8-143918070-G-A. GRCh37 (hg19) VCF-style: chr8-144992238-G-A.
Other names: c.11832C>T, p.Ser3944= (NM_000445.5); c.11709C>T, p.Ser3903= (NM_201378.4); c.11685C>T, p.Ser3895= (NM_201379.3); c.12162C>T, p.Ser4054= (NM_201380.4); c.11655C>T, p.Ser3885= (NM_201381.3); c.11751C>T, p.Ser3917= (NM_201382.4); c.11763C>T, p.Ser3921= (NM_201383.3); c.11832C>T (NM_000445.4).
Identifiers: ClinVar variation 513871 (VCV000513871.11), dbSNP rs782402718, ClinGen allele CA4924254.

ClinVar aggregate classification (germline): Likely benign. Review status: criteria provided, multiple submitters, no conflicts (2 of 4 stars). 3 submissions from 3 submitters: Likely benign (2). 1 of the submissions does not count toward it. Last evaluated 2025-09-04.

Conditions:
PLEC-related disorder. Also called: PLEC-related disorders; PLEC-related condition.
Epidermolysis bullosa simplex 5C, with pyloric atresia (EBS5C). Also called: PLEC1-Related Epidermolysis Bullosa with Pyloric Atresia; PLEC-Related Epidermolysis Bullosa with Pyloric Atresia; Epidermolysis bullosa simplex with pyloric atresia. Identifiers: Orphanet 158684, MedGen C2677349, MONDO:0012807, OMIM 612138.
Epidermolysis bullosa simplex, Ogna type (EBS5A). Also called: Pidermolysis bullosa simplex 5A, Ogna type; EPIDERMOLYSIS BULLOSA SIMPLEX 5A, OGNA TYPE. Identifiers: Orphanet 79401, MedGen C0432317, MONDO:0007555, OMIM 131950.
Autosomal recessive limb-girdle muscular dystrophy type 2Q (LGMDR17). Also called: MUSCULAR DYSTROPHY, LIMB-GIRDLE, AUTOSOMAL RECESSIVE 17. Identifiers: Orphanet 254361, MedGen C3150989, MONDO:0013390, OMIM 613723.
Epidermolysis bullosa simplex with nail dystrophy (EBS5D). Identifiers: MedGen C4225309, MONDO:0014661, OMIM 616487.
Epidermolysis bullosa simplex 5B, with muscular dystrophy (EBS5B). Also called: Epidermolysis bullosa simplex with muscular dystrophy; EPIDERMOLYSIS BULLOSA SIMPLEX AND LIMB-GIRDLE MUSCULAR DYSTROPHY. Identifiers: Orphanet 257, MedGen C2931072, MONDO:0009181, OMIM 226670.

Allele frequency attached by ClinVar (database versions not stated): gnomAD 0.00001; gnomAD exomes 0.00007 and 0.00018; TOPMed 0.00008; ExAC 0.00021.
gnomAD v4.1: 45 of 1,600,280 alleles (0.0028%); highest among the groups gnomAD compares: Admixed American, 0.077%; no homozygotes.

Submissions (3):

Labcorp Genetics (formerly Invitae), Labcorp
Classification: Likely benign for Autosomal recessive limb-girdle muscular dystrophy type 2Q; Epidermolysis bullosa simplex, Ogna type; Epidermolysis bullosa simplex with nail dystrophy; Epidermolysis bullosa simplex 5C, with pyloric atresia; Epidermolysis bullosa simplex 5B, with muscular dystrophy. Last evaluated: 2025-09-04. Review status: criteria provided, single submitter. Criteria: Invitae Variant Classification Sherloc (09022015). Collection method: clinical testing. Allele origin: germline.

GeneDx
Classification: Likely benign. Last evaluated: 2017-12-05. Review status: criteria provided, single submitter. Criteria: GeneDx Variant Classification (06012015). Collection method: clinical testing. Allele origin: germline. Affected: yes.
Comment: This variant is considered likely benign or benign based on one or more of the following criteria: it is a conservative change, it occurs at a poorly conserved position in the protein, it is predicted to be benign by multiple in silico algorithms, and/or has population frequency not consistent with disease.

PreventionGenetics, part of Exact Sciences
Classification: Likely benign for PLEC-related condition. Last evaluated: 2024-05-22. Review status: no assertion criteria provided. Collection method: clinical testing. Allele origin: germline. Not counted in ClinVar's aggregate classification.
Comment: This variant is classified as likely benign based on ACMG/AMP sequence variant interpretation guidelines (Richards et al. 2015 PMID: 25741868, with internal and published modifications).